The following is an entry in ClinVar:

ClinVar aggregate classification (germline): Uncertain significance (1 of 4 stars; one submission).

Conditions:
Hereditary cancer-predisposing syndrome. Also called: Neoplastic Syndromes, Hereditary; Hereditary Cancer Syndrome; Hereditary neoplastic syndrome; Tumor predisposition. Identifiers: Orphanet 140162, MedGen C0027672, MeSH D009386, MONDO:0015356.

Submission:

Ambry Genetics
Classification: Uncertain significance for Hereditary cancer-predisposing syndrome. Last evaluated: 2026-06-03. Review status: criteria provided, single submitter. Criteria: Ambry Variant Classification Scheme 2023. Collection method: clinical testing. Allele origin: germline.
Comment: The p.K230T variant (also known as c.689A>C), located in coding exon 7 of the FANCC gene, results from an A to C substitution at nucleotide position 689. The lysine at codon 230 is replaced by threonine, an amino acid with similar properties. This amino acid position is conserved. In addition, this alteration is predicted to be tolerated by in silico analysis. Based on the available evidence, the clinical significance of this variant remains unclear.

NM_000136.3(FANCC):c.689A>C (p.Lys230Thr)

Genes: AOPEP (aminopeptidase O (putative); plus strand), FANCC (FA complementation group C; minus strand). Cytogenetic location: 9q22.32.
Variant type: single nucleotide variant.
Coding change: c.689A>C on transcript NM_000136.3 (MANE Select); coding-DNA position 689, A replaced by C.
Protein change: p.Lys230Thr; replaces lysine 230 with threonine.
Molecular consequence: missense variant.
Genome position (GRCh38, 1-based): chr9:95,135,500, T>G on the plus strand (A>C on the coding strand, the complement: FANCC is on the minus strand). VCF-style: chr9-95135500-T-G. GRCh37 (hg19) VCF-style: chr9-97897782-T-G.
Other names: c.689A>C, p.Lys230Thr (NM_001243743.2, NM_001243744.2); short protein forms K230T.
Identifiers: ClinVar variation 4870967 (VCV004870967.1).